The following is an entry in ClinVar:

NM_001114753.3(ENG):c.836T>G (p.Phe279Cys)

Gene: ENG (endoglin; minus strand). Cytogenetic location: 9q34.11.
Variant type: single nucleotide variant.
Coding change: c.836T>G on transcript NM_001114753.3 (MANE Select); coding-DNA position 836, T replaced by G.
Protein change: p.Phe279Cys; replaces phenylalanine 279 with cysteine.
Molecular consequence: missense variant.
Genome position (GRCh38, 1-based): chr9:127,824,955, A>C on the plus strand (T>G on the coding strand, the complement: ENG is on the minus strand). VCF-style: chr9-127824955-A-C. GRCh37 (hg19) VCF-style: chr9-130587234-A-C.
Other names: c.836T>G, p.Phe279Cys (NM_000118.4, NM_001406715.1); c.290T>G, p.Phe97Cys (NM_001278138.2); short protein forms F279C, F97C.
Identifiers: ClinVar variation 2002978 (VCV002002978.4), dbSNP rs1481291635, ClinGen allele CA374982795.

ClinVar aggregate classification (germline): Uncertain significance (1 of 4 stars; one submission).

Conditions:
Hereditary hemorrhagic telangiectasia (HHT). Also called: ORW DISEASE; Osler Weber Rendu syndrome; OSLER-RENDU-WEBER DISEASE; Osler hemorrhagic telangiectasia syndrome. Identifiers: Orphanet 774, MedGen C0039445, MONDO:0019180. Disease mechanism: loss of function.

Submission:

Labcorp Genetics (formerly Invitae), Labcorp
Classification: Uncertain significance for Hereditary hemorrhagic telangiectasia. Last evaluated: 2022-06-07. Review status: criteria provided, single submitter. Criteria: Invitae Variant Classification Sherloc (09022015). Collection method: clinical testing. Allele origin: germline.
Comment: This sequence change replaces phenylalanine, which is neutral and non-polar, with cysteine, which is neutral and slightly polar, at codon 279 of the ENG protein (p.Phe279Cys). This variant is not present in population databases (gnomAD no frequency). This variant has not been reported in the literature in individuals affected with ENG-related conditions. Algorithms developed to predict the effect of missense changes on protein structure and function are either unavailable or do not agree on the potential impact of this missense change (SIFT: "Deleterious"; PolyPhen-2: "Possibly Damaging"; Align-GVGD: "Class C0"). In summary, the available evidence is currently insufficient to determine the role of this variant in disease. Therefore, it has been classified as a Variant of Uncertain Significance.